The following is an entry in ClinVar:

NM_022455.5(NSD1):c.2339C>T (p.Ser780Leu)

Gene: NSD1 (nuclear receptor binding SET domain protein 1; plus strand). Cytogenetic location: 5q35.3.
Variant type: single nucleotide variant.
Coding change: c.2339C>T on transcript NM_022455.5 (MANE Select); coding-DNA position 2339, C replaced by T.
Protein change: p.Ser780Leu; replaces serine 780 with leucine.
Molecular consequence: missense variant.
Genome position (GRCh38, 1-based): chr5:177,210,738, C>T. VCF-style: chr5-177210738-C-T. GRCh37 (hg19) VCF-style: chr5-176637739-C-T.
Other names: c.1466C>T, p.Ser489Leu (NM_001365684.2, NM_001409306.1, NM_001409307.1 and 3 more transcripts); c.2339C>T, p.Ser780Leu (NM_001409301.1, NM_001409302.1, NM_001409303.1); c.1919C>T, p.Ser640Leu (NM_001409304.1); c.1586C>T, p.Ser529Leu (NM_001409305.1); short protein forms S780L, S511L, S489L, S529L, S640L.
Identifiers: ClinVar variation 241432 (VCV000241432.48), dbSNP rs201327209, ClinGen allele CA3577246.

ClinVar aggregate classification (germline): Benign/Likely benign. Review status: criteria provided, multiple submitters, no conflicts (2 of 4 stars). 8 submissions from 8 submitters: Benign (5); Likely benign (2). 1 of the submissions does not count toward it. Last evaluated 2026-07-01.

Conditions:
Sotos syndrome (SOTOS). Also called: CHROMOSOME 5q35 DELETION SYNDROME; Sotos' syndrome; SOTOS SYNDROME 1; CEREBRAL GIGANTISM; Distinctive facial appearance, overgrowth in childhood, and learning disabilities or delayed development. Identifiers: Orphanet 821, MedGen C0175695, MONDO:0019349, OMIM 117550.
NSD1-related disorder. Also called: NSD1-related condition.
Inborn genetic diseases. Identifiers: MedGen C0950123, MeSH D030342.

Allele frequency attached by ClinVar (database versions not stated): gnomAD 0.00014 and 0.00038; ESP Exome Variant Server 0.00015; TOPMed 0.00015; gnomAD exomes 0.00063 and 0.00122; ExAC 0.00146; 1000 Genomes Project 30x 0.00156; 1000 Genomes Project 0.00160.
gnomAD v4.1: 1,016 of 1,614,142 alleles (0.063%); highest among the groups gnomAD compares: South Asian, 0.78%; 14 homozygotes.

Submissions (8):

CeGaT Center for Human Genetics Tuebingen
Classification: Benign. Last evaluated: 2026-07-01. Review status: criteria provided, single submitter. Criteria: CeGaT Center For Human Genetics Tuebingen Variant Classification Criteria Version 2. Collection method: clinical testing. Allele origin: germline. Affected: yes. Observed: 8 variant alleles.
Comment: NSD1: BS1, BS2

Labcorp Genetics (formerly Invitae), Labcorp
Classification: Benign. Last evaluated: 2026-02-01. Review status: criteria provided, single submitter. Criteria: Invitae Variant Classification Sherloc (09022015). Collection method: clinical testing. Allele origin: germline.

Genetic Services Laboratory, University of Chicago
Classification: Benign. Last evaluated: 2021-12-15. Review status: criteria provided, single submitter. Criteria: ACMG Guidelines, 2015. Collection method: clinical testing. Allele origin: germline. Affected: no.

Fulgent Genetics
Classification: Likely benign for Sotos syndrome. Last evaluated: 2021-07-30. Review status: criteria provided, single submitter. Criteria: ACMG Guidelines, 2015. Collection method: clinical testing. Allele origin: unknown.

Genome-Nilou Lab
Classification: Benign for Sotos syndrome. Last evaluated: 2021-07-15. Review status: criteria provided, single submitter. Criteria: ACMG Guidelines, 2015. Collection method: clinical testing. Allele origin: germline. Affected: no.

GeneDx
Classification: Benign. Last evaluated: 2020-10-30. Review status: criteria provided, single submitter. Criteria: GeneDx Variant Classification Process June 2021. Collection method: clinical testing. Allele origin: germline. Affected: yes.

Ambry Genetics
Classification: Likely benign for Inborn genetic diseases. Last evaluated: 2018-04-20. Review status: criteria provided, single submitter. Criteria: Ambry Variant Classification Scheme 2023. Collection method: clinical testing. Allele origin: germline.

PreventionGenetics, part of Exact Sciences
Classification: Likely benign for NSD1-related condition. Last evaluated: 2019-07-10. Review status: no assertion criteria provided. Collection method: clinical testing. Allele origin: germline. Not counted in ClinVar's aggregate classification.
Comment: This variant is classified as likely benign based on ACMG/AMP sequence variant interpretation guidelines (Richards et al. 2015 PMID: 25741868, with internal and published modifications).